The following is an entry in ClinVar:

NM_001378454.1(ALMS1):c.9697G>C (p.Gly3233Arg)

Gene: ALMS1 (ALMS1 centrosome and basal body associated protein; plus strand). Cytogenetic location: 2p13.1.
Variant type: single nucleotide variant.
Coding change: c.9697G>C on transcript NM_001378454.1 (MANE Select); coding-DNA position 9697, G replaced by C.
Protein change: p.Gly3233Arg; replaces glycine 3233 with arginine.
Molecular consequence: missense variant.
Genome position (GRCh38, 1-based): chr2:73,519,932, G>C. VCF-style: chr2-73519932-G-C. GRCh37 (hg19) VCF-style: chr2-73747059-G-C.
Other names: c.9700G>C, p.Gly3234Arg (NM_015120.4); short protein forms G3233R, G3234R.
Identifiers: ClinVar variation 1467775 (VCV001467775.6), dbSNP rs757474886, ClinGen allele CA1714738.

ClinVar aggregate classification (germline): Uncertain significance (1 of 4 stars; one submission).

Conditions:
Alstrom syndrome (ALMS). Identifiers: Orphanet 64, MedGen C0268425, MONDO:0008763, OMIM 203800.

Allele frequency attached by ClinVar (database versions not stated): gnomAD exomes below 0.00001; ExAC 0.00001.
gnomAD v4.1: 1 of 1,614,052 alleles (0.000062%); highest among the groups gnomAD compares: Admixed American, 0.0017%; no homozygotes.

Submission:

Labcorp Genetics (formerly Invitae), Labcorp
Classification: Uncertain significance for Alstrom syndrome. Last evaluated: 2025-04-14. Review status: criteria provided, single submitter. Criteria: Invitae Variant Classification Sherloc (09022015). Collection method: clinical testing. Allele origin: germline.
Comment: This sequence change replaces glycine, which is neutral and non-polar, with arginine, which is basic and polar, at codon 3234 of the ALMS1 protein (p.Gly3234Arg). This variant is present in population databases (rs757474886, gnomAD 0.003%). This variant has not been reported in the literature in individuals affected with ALMS1-related conditions. ClinVar contains an entry for this variant (Variation ID: 1467775). An algorithm developed to predict the effect of missense changes on protein structure and function outputs the following: PolyPhen-2: "Not Available". The arginine amino acid residue is found in multiple mammalian species, which suggests that this missense change does not adversely affect protein function. In summary, the available evidence is currently insufficient to determine the role of this variant in disease. Therefore, it has been classified as a Variant of Uncertain Significance.